The following is an entry in ClinVar:

NM_015331.3(NCSTN):c.1916A>G (p.Gln639Arg)

Gene: NCSTN (nicastrin; plus strand). Cytogenetic location: 1q23.2.
Variant type: single nucleotide variant.
Coding change: c.1916A>G on transcript NM_015331.3 (MANE Select); coding-DNA position 1916, A replaced by G.
Protein change: p.Gln639Arg; replaces glutamine 639 with arginine.
Molecular consequence: missense variant. On other transcripts: intron variant (1).
Genome position (GRCh38, 1-based): chr1:160,357,162, A>G. VCF-style: chr1-160357162-A-G. GRCh37 (hg19) VCF-style: chr1-160326952-A-G.
Other names: c.1856A>G, p.Gln619Arg (NM_001290184.2); c.1502A>G, p.Gln501Arg (NM_001290186.2); c.1794+408A>G (NM_001349729.2); short protein forms Q501R, Q619R, Q639R.
Identifiers: ClinVar variation 2890011 (VCV002890011.3), dbSNP rs199787866, ClinGen allele CA31542072.
Genomic context (GRCh38, chr1:160,357,162, plus strand): 5'-GGTGTGTGCGTTCTACTGCACGATTAGCCAGGGCCTTGTCTCCTGCCTTTGAACTGAGTC[A>G]GTGGAGCTCTACTGAATACTCTACATGGACTGAGAGCCGCTGGAAAGATATCCGTGCCCG-3'
Protein context (NP_056146.1, residues 629-649): RALSPAFELS[Gln639Arg]WSSTEYSTWT

ClinVar aggregate classification (germline): Uncertain significance (1 of 4 stars; one submission).

Allele frequency attached by ClinVar (database versions not stated): gnomAD 0.00001; gnomAD exomes 0.00001; TOPMed 0.00002.

Submission:

Labcorp Genetics (formerly Invitae), Labcorp
Classification: Uncertain significance. Last evaluated: 2024-09-17. Review status: criteria provided, single submitter. Criteria: Invitae Variant Classification Sherloc (09022015). Collection method: clinical testing. Allele origin: germline.
Comment: This sequence change replaces glutamine, which is neutral and polar, with arginine, which is basic and polar, at codon 639 of the NCSTN protein (p.Gln639Arg). This variant is present in population databases (rs199787866, gnomAD 0.0009%). This variant has not been reported in the literature in individuals affected with NCSTN-related conditions. Invitae Evidence Modeling of protein sequence and biophysical properties (such as structural, functional, and spatial information, amino acid conservation, physicochemical variation, residue mobility, and thermodynamic stability) indicates that this missense variant is not expected to disrupt NCSTN protein function with a negative predictive value of 80%. In summary, the available evidence is currently insufficient to determine the role of this variant in disease. Therefore, it has been classified as a Variant of Uncertain Significance.